The following is an entry in ClinVar:

NM_001182.5(ALDH7A1):c.1489+5G>A

Gene: ALDH7A1 (aldehyde dehydrogenase 7 family member A1; minus strand). Cytogenetic location: 5q23.2.
Variant type: single nucleotide variant.
Coding change: c.1489+5G>A on transcript NM_001182.5 (MANE Select); 5 bases into the intron after coding-DNA position 1489, G replaced by A.
Molecular consequence: intron variant.
Genome position (GRCh38, 1-based): chr5:126,549,924, C>T on the plus strand (G>A on the coding strand, the complement: ALDH7A1 is on the minus strand). VCF-style: chr5-126549924-C-T. GRCh37 (hg19) VCF-style: chr5-125885616-C-T.
Other names: c.1297+5G>A (NM_001202404.2); c.1405+5G>A (NM_001201377.2).
Identifiers: ClinVar variation 280045 (VCV000280045.20), dbSNP rs368820286, ClinGen allele CA3389398.
Genomic context (GRCh38, chr5:126,549,924, plus strand): 5'-TAAAAGCTACTACTGGTTTTTCTTTGCTGCCCAACATGGAAAAGGAGAAATGATTCTCTA[C>T]GTACCAAAGGCACCTCCAATCTCAGCCCCACTTGTTGGAATGTTGACATTTACAATGCCA-3'

ClinVar aggregate classification (germline): Pathogenic/Likely pathogenic. Review status: criteria provided, multiple submitters, no conflicts (2 of 4 stars). 8 submissions from 8 submitters: Pathogenic (7); Likely pathogenic (1). Last evaluated 2025-06-11.

Conditions:
ALDH7A1-related disorder. Also called: ALDH7A1-related condition.
Inborn genetic diseases. Identifiers: MedGen C0950123, MeSH D030342.
Epilepsy. Also called: Seizure disorder. Identifiers: MedGen C0014544, MeSH D004827, MONDO:0005027.
Pyridoxine-dependent epilepsy (EPEO4). Also called: Pyridoxine-Dependent Epilepsy - ALDH7A1; EPILEPSY, EARLY-ONSET, 4, VITAMIN B6-DEPENDENT; Pyridoxine-Dependent Seizures; PYRIDOXINE DEPENDENCY WITH SEIZURES. Identifiers: Orphanet 3006, MedGen C1849508, MONDO:0009945, OMIM 266100. Disease mechanism: loss of function.

Allele frequency attached by ClinVar (database versions not stated): gnomAD 0.00001; TOPMed 0.00001; ExAC 0.00002; gnomAD exomes 0.00002 and 0.00003; ESP Exome Variant Server 0.00023.
gnomAD v4.1: 44 of 1,613,630 alleles (0.0027%); highest among the groups gnomAD compares: Non-Finnish European, 0.0032%; no homozygotes.

Submissions (8):

GeneDx
Classification: Pathogenic. Last evaluated: 2025-06-11. Review status: criteria provided, single submitter. Criteria: GeneDx Variant Classification Process June 2021. Collection method: clinical testing. Allele origin: germline. Affected: yes.
Comment: Non-canonical splice site variant demonstrated to result in loss of function (PMID: 18717709); Not observed at significant frequency in large population cohorts (gnomAD); Also known as c.1405+5G>A; This variant is associated with the following publications: (PMID: 24848745, 20814824, 36703223, 18717709, 34426522, 27324284, 30043187, 20554659)

Dubai Health Genomic Medicine Center, Dubai Health
Classification: Pathogenic for Epilepsy. Last evaluated: 2024-10-04. Review status: criteria provided, single submitter. Criteria: ACMG Guidelines, 2015. Collection method: research. Allele origin: germline. Affected: yes.
Comment: PM3_VeryStrong, PS3_Moderate, PM2

Women's Health and Genetics/Laboratory Corporation of America, LabCorp
Classification: Pathogenic for Pyridoxine-dependent epilepsy. Last evaluated: 2024-08-16. Review status: criteria provided, single submitter. Criteria: LabCorp Variant Classification Summary - May 2015. Collection method: clinical testing. Allele origin: germline.
Comment: Variant summary: ALDH7A1 c.1489+5G>A alters a conserved nucleotide located close to a canonical splice site and therefore could affect mRNA splicing, leading to a significantly altered protein sequence. Several computational tools predict a significant impact on normal splicing: Four predict the variant abolishes a canonical 5' splicing donor site. At least one publication reports experimental evidence that this variant affects mRNA splicing and causes exon skipping (Striano_2009). The variant allele was found at a frequency of 2e-05 in 251382 control chromosomes (gnomAD). c.1489+5G>A has been reported in the literature in individuals affected with Pyridoxine-Dependent Epilepsy (e.g. Striano_2009, Coughlin_2019). These data indicate that the variant is likely to be associated with disease. The following publications have been ascertained in the context of this evaluation (PMID: 18717709, 30043187). ClinVar contains an entry for this variant (Variation ID: 280045). Based on the evidence outlined above, the variant was classified as pathogenic.

Labcorp Genetics (formerly Invitae), Labcorp
Classification: Pathogenic for Pyridoxine-dependent epilepsy. Last evaluated: 2024-07-09. Review status: criteria provided, single submitter. Criteria: Invitae Variant Classification Sherloc (09022015). Collection method: clinical testing. Allele origin: germline.
Comment: This sequence change falls in intron 16 of the ALDH7A1 gene. It does not directly change the encoded amino acid sequence of the ALDH7A1 protein. It affects a nucleotide within the consensus splice site. This variant is present in population databases (rs368820286, gnomAD 0.004%). This variant has been observed in individual(s) with pyridoxine-dependent seizures (PMID: 18717709, 20554659, 20814824, 24848745). This variant is also known as c.1405+5G>A and/or IVS16+5G>A. ClinVar contains an entry for this variant (Variation ID: 280045). Variants that disrupt the consensus splice site are a relatively common cause of aberrant splicing (PMID: 17576681, 9536098). Algorithms developed to predict the effect of sequence changes on RNA splicing suggest that this variant may disrupt the consensus splice site. For these reasons, this variant has been classified as Pathogenic.

Blueprint Genetics
Classification: Pathogenic for ALDH7A1-related disorders. Last evaluated: 2024-07-05. Review status: criteria provided, single submitter. Criteria: ACMG Guidelines, 2015. Collection method: clinical testing. Allele origin: germline. Affected: yes. Observed: 5 variant alleles.

Fulgent Genetics
Classification: Likely pathogenic for Pyridoxine-dependent epilepsy. Last evaluated: 2024-02-19. Review status: criteria provided, single submitter. Criteria: ACMG Guidelines, 2015. Collection method: clinical testing. Allele origin: germline.

Genome-Nilou Lab
Classification: Pathogenic for Pyridoxine-dependent epilepsy. Last evaluated: 2023-04-11. Review status: criteria provided, single submitter. Criteria: ACMG Guidelines, 2015. Collection method: clinical testing. Allele origin: germline. Affected: no.

Ambry Genetics
Classification: Pathogenic for Inborn genetic diseases. Last evaluated: 2017-06-19. Review status: criteria provided, single submitter. Criteria: Ambry exome assertion method (8-5-2015). Collection method: clinical testing. Allele origin: germline. Affected: yes. Observed: 1 variant allele.

Literature cited by the submitters: PubMed 30043187 (cited by Women's Health and Genetics/Laboratory Corporation of America, LabCorp); PubMed 18717709 (cited by 3 submitters); PubMed 20554659 (cited by Labcorp Genetics (formerly Invitae), Labcorp); PubMed 20814824 (cited by Labcorp Genetics (formerly Invitae), Labcorp); PubMed 24848745 (cited by Labcorp Genetics (formerly Invitae), Labcorp and Ambry Genetics); PubMed 17576681 (cited by Labcorp Genetics (formerly Invitae), Labcorp); PubMed 9536098 (cited by Labcorp Genetics (formerly Invitae), Labcorp); PubMed 27324284 (cited by Ambry Genetics).